The following is an entry in ClinVar:

ClinVar aggregate classification (germline): Pathogenic/Likely pathogenic. Review status: criteria provided, multiple submitters, no conflicts (2 of 4 stars). 3 submissions from 3 submitters: Pathogenic (2); Likely pathogenic (1). Last evaluated 2024-07-24.

Conditions:
Isovaleryl-CoA dehydrogenase deficiency (IVA). Also called: Classic Isovaleric Acidemia; ISOVALERIC ACID CoA DEHYDROGENASE DEFICIENCY; Isovaleric acidemia; IVD DEFICIENCY. Identifiers: Orphanet 33, MedGen C0268575, MONDO:0009475, OMIM 243500.

Submissions (3):

Labcorp Genetics (formerly Invitae), Labcorp
Classification: Pathogenic for Isovaleryl-CoA dehydrogenase deficiency. Last evaluated: 2024-07-24. Review status: criteria provided, single submitter. Criteria: Invitae Variant Classification Sherloc (09022015). Collection method: clinical testing. Allele origin: germline.
Comment: This sequence change creates a premature translational stop signal (p.Pro220Glnfs*29) in the IVD gene. It is expected to result in an absent or disrupted protein product. Loss-of-function variants in IVD are known to be pathogenic (PMID: 16602101). This variant is not present in population databases (gnomAD no frequency). This variant has not been reported in the literature in individuals affected with IVD-related conditions. ClinVar contains an entry for this variant (Variation ID: 593628). For these reasons, this variant has been classified as Pathogenic.

Baylor Genetics
Classification: Likely pathogenic for Isovaleryl-CoA dehydrogenase deficiency. Last evaluated: 2023-12-23. Review status: criteria provided, single submitter. Criteria: ACMG Guidelines, 2015. Collection method: clinical testing. Allele origin: unknown.

Eurofins Ntd Llc (ga)
Classification: Pathogenic. Last evaluated: 2017-08-22. Review status: criteria provided, single submitter. Criteria: EGL Classification Definitions 2015. Collection method: clinical testing. Allele origin: germline. Observed: 1 variant allele, 1 heterozygote.

Literature cited by the submitters: PubMed 16602101 (cited by Labcorp Genetics (formerly Invitae), Labcorp).

NM_002225.5(IVD):c.650del (p.Pro217fs)

Gene: IVD (isovaleryl-CoA dehydrogenase; plus strand). Cytogenetic location: 15q15.1.
Variant type: Deletion.
Coding change: c.650del on transcript NM_002225.5 (MANE Select); coding-DNA position 650, one base deleted (C; older notation c.650delC).
Protein change: p.Pro217fs; shifts the reading frame from proline 217.
Molecular consequence: frameshift variant. On other transcripts: non-coding transcript variant (1).
Genome position (GRCh38, 1-based): chr15:40,411,654, C deleted; the last of 2 consecutive C bases (chr15:40,411,653-40,411,654); deleting either gives the same sequence. VCF-style (leftmost placement, unchanged base first): chr15-40411652-GC-G. GRCh37 (hg19) VCF-style: chr15-40703851-GC-G.
Other names: c.560del, p.Pro187fs (NM_001159508.3); c.602del, p.Pro201fs (NM_001354597.3); c.650del, p.Pro217fs (NM_001354598.3, NM_001354601.3); c.737del, p.Pro246fs (NM_001354599.3, NM_001354600.3); short protein forms P201fs, P217fs, P187fs, P246fs.
Identifiers: ClinVar variation 593628 (VCV000593628.8), dbSNP rs1364046355, ClinGen allele CA712747910.